The following is an entry in ClinVar:

ClinVar aggregate classification (germline): Likely pathogenic (1 of 4 stars; one submission).

Submission:

Quest Diagnostics Nichols Institute San Juan Capistrano
Classification: Likely pathogenic. Last evaluated: 2023-04-10. Review status: criteria provided, single submitter. Criteria: ACMG/ClinGen CNV Guidelines, 2019. Collection method: clinical testing. Allele origin: unknown.
Comment: This copy number gain of 6p25.3 involves multiple protein-coding genes. Duplications of FOXC1 have been reported in association with iris dysplasia (Lehmann 2000, Lehmann 2002). Larger duplications have been identified in patients with variable phenotypic features (Aldinger 2009, Chanda 2008, Lang 2020, Souzeau 2017). Thus, based on current medical literature and gene content, this copy number variant (CNV) is classified as likely pathogenic. References: Aldinger et al., Nat Genet. 2009 Sep;41(9):1037-42. PMID: 19668217 Chanda et al., Hum Mol Genet. 2008 Nov 15;17(22):3446-58. PMID: 18694899 Lang et al., Transl Vis Sci Technol. 2020 Jun 30;9(7):47. PMID: 32832252 Lehmann et al., Am J Hum Genet. 2000 Nov;67(5):1129-35. PMID: 11007653 Lehmann et al., Invest Ophthalmol Vis Sci. 2002 Jun;43(6):1843-9. PMID: 12036988 Souzeau et al., Eur J Hum Genet. 2017 Jun;25(7):839-847. PMID: 28513611

GRCh37/hg19 6p25.3(chr6:1286450-1645873)x3

Genes: FOXC1 (forkhead box C1; plus strand), FOXF2 (forkhead box F2; plus strand), FOXQ1 (forkhead box Q1; plus strand), GMDS (GDP-mannose 4,6-dehydratase; minus strand). Cytogenetic location: 6p25.3.
Variant type: copy number gain.
Change: copy number 3 (three copies instead of two) of chr6:1,286,450-1,645,873 (359.4 kb, GRCh37 coordinates, 1-based), cytogenetic band 6p25.3.
Identifiers: ClinVar variation 2684440 (VCV002684440.1).